The following is an entry in ClinVar:

ClinVar aggregate classification (germline): Uncertain significance (1 of 4 stars; one submission).

Conditions:
Rhabdoid tumor predisposition syndrome 2 (RTPS2). Identifiers: Orphanet 231108, Orphanet 69077, MedGen C2750074, MONDO:0013224, OMIM 613325.

Submission:

Labcorp Genetics (formerly Invitae), Labcorp
Classification: Uncertain significance for Rhabdoid tumor predisposition syndrome 2. Last evaluated: 2025-02-16. Review status: criteria provided, single submitter. Criteria: Invitae Variant Classification Sherloc (09022015). Collection method: clinical testing. Allele origin: germline.
Comment: This sequence change replaces alanine, which is neutral and non-polar, with threonine, which is neutral and polar, at codon 725 of the SMARCA4 protein (p.Ala725Thr). This variant is not present in population databases (gnomAD no frequency). This variant has not been reported in the literature in individuals affected with SMARCA4-related conditions. Invitae Evidence Modeling of protein sequence and biophysical properties (such as structural, functional, and spatial information, amino acid conservation, physicochemical variation, residue mobility, and thermodynamic stability) has been performed for this missense variant. However, the output from this modeling did not meet the statistical confidence thresholds required to predict the impact of this variant on SMARCA4 protein function. In summary, the available evidence is currently insufficient to determine the role of this variant in disease. Therefore, it has been classified as a Variant of Uncertain Significance.

NM_003072.5(SMARCA4):c.2173G>A (p.Ala725Thr)

Gene: SMARCA4 (SWI/SNF related BAF chromatin remodeling complex subunit ATPase 4; plus strand). Cytogenetic location: 19p13.2.
Variant type: single nucleotide variant.
Coding change: c.2173G>A on transcript NM_003072.5 (MANE Select); coding-DNA position 2173, G replaced by A.
Protein change: p.Ala725Thr; replaces alanine 725 with threonine.
Molecular consequence: missense variant. On other transcripts: non-coding transcript variant (1).
Genome position (GRCh38, 1-based): chr19:11,010,430, G>A. VCF-style: chr19-11010430-G-A. GRCh37 (hg19) VCF-style: chr19-11121106-G-A.
Other names: c.2173G>A, p.Ala725Thr (NM_001128844.3, NM_001128845.2, NM_001128846.2 and 6 more transcripts); short protein forms A725T.
Identifiers: ClinVar variation 4802562 (VCV004802562.1).